The following is an entry in ClinVar:

ClinVar aggregate classification (germline): Uncertain significance. Review status: criteria provided, multiple submitters, no conflicts (2 of 4 stars). 2 submissions from 2 submitters: Uncertain significance (2). Last evaluated 2024-04-29.

Conditions:
Hereditary spherocytosis type 1. Also called: Spherocytosis type 1; ANK1-Related Spherocytosis. Identifiers: Orphanet 822, MedGen C2674218, MONDO:0008447, OMIM 182900.

Allele frequency attached by ClinVar (database versions not stated): gnomAD 0.00001; TOPMed 0.00001; ESP Exome Variant Server 0.00009.
gnomAD v4.1: 2 of 1,551,574 alleles (0.00013%); highest among the groups gnomAD compares: Admixed American, 0.002%; no homozygotes.

Submissions (2):

Revvity Omics, Revvity
Classification: Uncertain significance for Hereditary spherocytosis type 1. Last evaluated: 2024-04-29. Review status: criteria provided, single submitter. Criteria: ACMG Guidelines, 2015. Collection method: clinical testing. Allele origin: germline.

Labcorp Genetics (formerly Invitae), Labcorp
Classification: Uncertain significance. Last evaluated: 2022-04-30. Review status: criteria provided, single submitter. Criteria: Invitae Variant Classification Sherloc (09022015). Collection method: clinical testing. Allele origin: germline.
Comment: In summary, the available evidence is currently insufficient to determine the role of this variant in disease. Therefore, it has been classified as a Variant of Uncertain Significance. Algorithms developed to predict the effect of sequence changes on RNA splicing suggest that this variant may create or strengthen a splice site. Algorithms developed to predict the effect of missense changes on protein structure and function are either unavailable or do not agree on the potential impact of this missense change (SIFT: "Deleterious"; PolyPhen-2: "Possibly Damaging"; Align-GVGD: "Class C0"). This variant has not been reported in the literature in individuals affected with ANK1-related conditions. This variant is not present in population databases (gnomAD no frequency). This sequence change replaces methionine, which is neutral and non-polar, with isoleucine, which is neutral and non-polar, at codon 414 of the ANK1 protein (p.Met414Ile).

NM_000037.4(ANK1):c.1242G>A (p.Met414Ile)

Gene: ANK1 (ankyrin 1; minus strand). Cytogenetic location: 8p11.21.
Variant type: single nucleotide variant.
Coding change: c.1242G>A on transcript NM_000037.4 (MANE Select); coding-DNA position 1242, G replaced by A.
Protein change: p.Met414Ile; replaces methionine 414 with isoleucine.
Molecular consequence: missense variant.
Genome position (GRCh38, 1-based): chr8:41,717,667, C>T on the plus strand (G>A on the coding strand, the complement: ANK1 is on the minus strand). VCF-style: chr8-41717667-C-T. GRCh37 (hg19) VCF-style: chr8-41575185-C-T.
Other names: c.1341G>A, p.Met447Ile (NM_001142446.2); c.1242G>A, p.Met414Ile (NM_020475.3, NM_020476.3, NM_020477.3); short protein forms M414I, M447I.
Identifiers: ClinVar variation 2091251 (VCV002091251.5), dbSNP rs149982951, ClinGen allele CA175912762.